The following is an entry in ClinVar:

ClinVar aggregate classification (germline): Uncertain significance (1 of 4 stars; one submission).

Conditions:
Hereditary spastic paraplegia 11. Also called: Nakamura Osame syndrome; Autosomal recessive hereditary spastic paraplegia, mental impairment, and thin corpus callosum; SPASTIC PARAPLEGIA, AUTOSOMAL RECESSIVE, COMPLICATED, WITH THIN CORPUS CALLOSUM; SPASTIC PARAPLEGIA, AUTOSOMAL RECESSIVE, WITH MENTAL IMPAIRMENT AND THIN CORPUS CALLOSUM; Spastic Paraplegia 11; Spastic paraplegia, mental retardation and thin corpus callosum. Identifiers: Orphanet 2822, MedGen C1858479, MONDO:0011445, OMIM 604360.

Submission:

Labcorp Genetics (formerly Invitae), Labcorp
Classification: Uncertain significance for Hereditary spastic paraplegia 11. Last evaluated: 2022-02-08. Review status: criteria provided, single submitter. Criteria: Invitae Variant Classification Sherloc (09022015). Collection method: clinical testing. Allele origin: germline.
Comment: This sequence change replaces valine, which is neutral and non-polar, with phenylalanine, which is neutral and non-polar, at codon 1994 of the SPG11 protein (p.Val1994Phe). This variant is not present in population databases (gnomAD no frequency). This variant has not been reported in the literature in individuals affected with SPG11-related conditions. Algorithms developed to predict the effect of missense changes on protein structure and function are either unavailable or do not agree on the potential impact of this missense change (SIFT: "Deleterious"; PolyPhen-2: "Benign"; Align-GVGD: "Class C0"). In summary, the available evidence is currently insufficient to determine the role of this variant in disease. Therefore, it has been classified as a Variant of Uncertain Significance.

NM_025137.4(SPG11):c.5980G>T (p.Val1994Phe)

Gene: SPG11 (SPG11 vesicle trafficking associated, spatacsin; minus strand). Cytogenetic location: 15q21.1.
Variant type: single nucleotide variant.
Coding change: c.5980G>T on transcript NM_025137.4 (MANE Select); coding-DNA position 5980, G replaced by T.
Protein change: p.Val1994Phe; replaces valine 1994 with phenylalanine.
Molecular consequence: missense variant. On other transcripts: intron variant (1).
Genome position (GRCh38, 1-based): chr15:44,574,928, C>A on the plus strand (G>T on the coding strand, the complement: SPG11 is on the minus strand). VCF-style: chr15-44574928-C-A. GRCh37 (hg19) VCF-style: chr15-44867126-C-A.
Other names: c.5836G>T, p.Val1946Phe (NM_001411132.1); c.5867-2108G>T (NM_001160227.2); short protein forms V1946F, V1994F.
Identifiers: ClinVar variation 2169752 (VCV002169752.4), dbSNP rs2505238525, ClinGen allele CA392218626.